The following is an entry in ClinVar:

ClinVar aggregate classification (germline): Uncertain significance (1 of 4 stars; one submission).

Allele frequency attached by ClinVar (database versions not stated): gnomAD exomes 0.00001; gnomAD 0.00003; TOPMed 0.00005.
gnomAD v4.1: 14 of 1,156,876 alleles (0.0012%); highest among the groups gnomAD compares: Middle Eastern, 0.024%; no homozygotes.

Submission:

Greenwood Genetic Center Diagnostic Laboratories, Greenwood Genetic Center
Classification: Uncertain significance. Last evaluated: 2022-09-28. Review status: criteria provided, single submitter. Criteria: ACMG Guidelines, 2015. Collection method: clinical testing. Allele origin: germline. Affected: yes.
Comment: PM2

NM_001379451.1(BCORL1):c.5076-45G>A

Gene: BCORL1 (BCL6 corepressor like 1; plus strand). Cytogenetic location: Xq26.1.
Variant type: single nucleotide variant.
Coding change: c.5076-45G>A on transcript NM_001379451.1 (MANE Select); 45 bases into the intron before coding-DNA position 5076, G replaced by A.
Molecular consequence: intron variant.
Genome position (GRCh38, 1-based): chrX:130,055,809, G>A. VCF-style: chrX-130055809-G-A. GRCh37 (hg19) VCF-style: chrX-129189784-G-A.
Other names: c.5076-45G>A (NM_001184772.3, NM_001379450.1); c.4854-45G>A (NM_021946.5).
Identifiers: ClinVar variation 1710423 (VCV001710423.3), dbSNP rs929587534, ClinGen allele CA335104889.